The following is an entry in ClinVar:

ClinVar aggregate classification (germline): Pathogenic. Review status: criteria provided, multiple submitters, no conflicts (2 of 4 stars). 2 submissions from 2 submitters: Pathogenic (2). Last evaluated 2025-12-19.

Conditions:
Monogenic hearing loss.

Submissions (2):

Genetics Laboratory, Great Ormond Street Hospital NHS Foundation Trust, North Thames Genomic Laboratory Hub
Classification: Pathogenic for Monogenic hearing loss. Last evaluated: 2025-12-19. Review status: criteria provided, single submitter. Criteria: ACGS Best Practice Guidelines for Variant Classification in Rare Disease 2024 v1.2. Collection method: clinical testing. Allele origin: germline. Affected: yes.
Comment: PM2_moderate, PVS1_very-strong, PM3_moderate

Labcorp Genetics (formerly Invitae), Labcorp
Classification: Pathogenic. Last evaluated: 2021-03-18. Review status: criteria provided, single submitter. Criteria: Invitae Variant Classification Sherloc (09022015). Collection method: clinical testing. Allele origin: germline.
Comment: For these reasons, this variant has been classified as Pathogenic. This variant has not been reported in the literature in individuals with OTOA-related conditions. This variant is not present in population databases (ExAC no frequency). This sequence change creates a premature translational stop signal (p.Lys112Argfs*11) in the OTOA gene. It is expected to result in an absent or disrupted protein product. Loss-of-function variants in OTOA are known to be pathogenic (PMID: 11972037).

Literature cited by the submitters: PubMed 11972037 (cited by Labcorp Genetics (formerly Invitae), Labcorp).

NM_144672.4(OTOA):c.335del (p.Lys112fs)

Gene: OTOA (otoancorin). Cytogenetic location: 16p12.2.
Variant type: Deletion.
Coding change: c.335del on transcript NM_144672.4 (MANE Select); coding-DNA position 335, one base deleted.
Protein change: p.Lys112fs; shifts the reading frame from lysine 112.
Molecular consequence: frameshift variant.
Genome position: GRCh38 VCF-style: chr16-21685295-GA-G. GRCh37 (hg19) VCF-style: chr16-21696616-GA-G.
Other names: c.98del, p.Lys33fs (NM_001161683.2); short protein forms K112fs, K33fs.
Identifiers: ClinVar variation 1360264 (VCV001360264.7), dbSNP rs1897691775, ClinGen allele CA975574922.